The following is an entry in ClinVar:

ClinVar aggregate classification (germline): Pathogenic (1 of 4 stars; one submission).

Conditions:
Alagille syndrome due to a JAG1 point mutation. Also called: HEPATIC DUCTULAR HYPOPLASIA, SYNDROMATIC; JAG1-Related Alagille Syndrome; Alagille Syndrome 1. Identifiers: Orphanet 261619, Orphanet 52, MedGen C1956125, MONDO:0016862, OMIM 118450.

Submission:

Labcorp Genetics (formerly Invitae), Labcorp
Classification: Pathogenic for Alagille syndrome due to a JAG1 point mutation. Last evaluated: 2020-05-20. Review status: criteria provided, single submitter. Criteria: Invitae Variant Classification Sherloc (09022015). Collection method: clinical testing. Allele origin: germline.
Comment: Donor and acceptor splice site variants typically lead to a loss of protein function (PMID: 16199547), and loss-of-function variants in JAG1 are known to be pathogenic (PMID: 11180599). This sequence change affects an acceptor splice site in intron 24 of the JAG1 gene. It is expected to disrupt RNA splicing and likely results in an absent or disrupted protein product. This variant is not present in population databases (ExAC no frequency). This variant has been observed in an individual with Allagille syndrome (Invitae). In at least one individual the variant was observed to be de novo. Algorithms developed to predict the effect of sequence changes on RNA splicing suggest that this variant may disrupt the consensus splice site, but this prediction has not been confirmed by published transcriptional studies. For these reasons, this variant has been classified as Pathogenic.

Literature cited by the submitters: PubMed 16199547; PubMed 11180599.

NM_000214.3(JAG1):c.3049-2A>G

Gene: JAG1 (jagged canonical Notch ligand 1; minus strand). Cytogenetic location: 20p12.2.
Variant type: single nucleotide variant.
Coding change: c.3049-2A>G on transcript NM_000214.3 (MANE Select); the canonical splice acceptor site of the intron before coding-DNA position 3049, A replaced by G.
Molecular consequence: splice acceptor variant.
Genome position (GRCh38, 1-based): chr20:10,640,935, T>C on the plus strand (A>G on the coding strand, the complement: JAG1 is on the minus strand). VCF-style: chr20-10640935-T-C. GRCh37 (hg19) VCF-style: chr20-10621583-T-C.
Identifiers: ClinVar variation 1070945 (VCV001070945.9), dbSNP rs2122595262, ClinGen allele CA408244383.